The following is an entry in ClinVar:

NM_138610.3(MACROH2A1):c.79C>T (p.Arg27Trp)

Gene: MACROH2A1 (macroH2A.1 histone; minus strand). Cytogenetic location: 5q31.1.
Variant type: single nucleotide variant.
Coding change: c.79C>T on transcript NM_138610.3 (MANE Select); coding-DNA position 79, C replaced by T.
Protein change: p.Arg27Trp; replaces arginine 27 with tryptophan.
Molecular consequence: missense variant. On other transcripts: non-coding transcript variant (15).
Genome position (GRCh38, 1-based): chr5:135,389,015, G>A on the plus strand (C>T on the coding strand, the complement: MACROH2A1 is on the minus strand). VCF-style: chr5-135389015-G-A. GRCh37 (hg19) VCF-style: chr5-134724705-G-A.
Other names: c.79C>T, p.Arg27Trp (NM_001040158.2, NM_001400401.1, NM_001400402.1 and 4 more transcripts); short protein forms R27W.
Identifiers: ClinVar variation 4685470 (VCV004685470.1).

ClinVar aggregate classification (germline): Uncertain significance (1 of 4 stars; one submission).

Conditions:
MACROH2A1-related neurodevelopmental disorder.

Submission:

Telethon Undiagnosed Diseases Program, Telethon Institute of Genetics and Medicine
Classification: Uncertain significance for MACROH2A1-related neurodevelopmental disorder. Last evaluated: 2025-10-17. Review status: criteria provided, single submitter. Criteria: ACMG Guidelines, 2015. Collection method: clinical testing. Allele origin: de novo. Inheritance: Autosomal dominant inheritance. Affected: yes.
Comment: The genomic variant c.79C>T in the MACROH2A1 gene results in the substitution of arginine with tryptophan at the protein level, denoted as p.Arg27Trp. This missense mutation affects the 27th amino acid of the MACROH2A1 protein. MACROH2A1 encodes a histone variant that is a part of the macroH2A histone family. It plays a role in the regulation of gene expression through chromatin remodeling and is involved in the establishment of facultative heterochromatin. The protein is implicated in several key cellular processes, including differentiation, proliferation, and the response to DNA damage.